The following is an entry in ClinVar:

NM_001197104.2(KMT2A):c.9716C>T (p.Pro3239Leu)

Gene: KMT2A (lysine methyltransferase 2A; plus strand). Cytogenetic location: 11q23.3.
Variant type: single nucleotide variant.
Coding change: c.9716C>T on transcript NM_001197104.2 (MANE Select); coding-DNA position 9716, C replaced by T.
Protein change: p.Pro3239Leu; replaces proline 3239 with leucine.
Molecular consequence: missense variant.
Genome position (GRCh38, 1-based): chr11:118,505,608, C>T. VCF-style: chr11-118505608-C-T. GRCh37 (hg19) VCF-style: chr11-118376323-C-T.
Other names: c.9707C>T, p.Pro3236Leu (NM_005933.4); short protein forms P3239L, P3236L.
Identifiers: ClinVar variation 426187 (VCV000426187.5), dbSNP rs1085307488, ClinGen allele CA382821479.

ClinVar aggregate classification (germline): Uncertain significance. Review status: criteria provided, multiple submitters, no conflicts (2 of 4 stars). 2 submissions from 2 submitters: Uncertain significance (2). Last evaluated 2023-04-27.

Allele frequency attached by ClinVar (database versions not stated): gnomAD 0.00001; TOPMed 0.00001.
gnomAD v4.1: 1 of 1,614,016 alleles (0.000062%); highest among the groups gnomAD compares: Non-Finnish European, 0.000085%; no homozygotes.

Submissions (2):

Labcorp Genetics (formerly Invitae), Labcorp
Classification: Uncertain significance. Last evaluated: 2023-04-27. Review status: criteria provided, single submitter. Criteria: Invitae Variant Classification Sherloc (09022015). Collection method: clinical testing. Allele origin: germline.
Comment: In summary, the available evidence is currently insufficient to determine the role of this variant in disease. Therefore, it has been classified as a Variant of Uncertain Significance. Advanced modeling of protein sequence and biophysical properties (such as structural, functional, and spatial information, amino acid conservation, physicochemical variation, residue mobility, and thermodynamic stability) performed at Invitae indicates that this missense variant is not expected to disrupt KMT2A protein function. ClinVar contains an entry for this variant (Variation ID: 426187). This variant has not been reported in the literature in individuals affected with KMT2A-related conditions. This variant is not present in population databases (gnomAD no frequency). This sequence change replaces proline, which is neutral and non-polar, with leucine, which is neutral and non-polar, at codon 3239 of the KMT2A protein (p.Pro3239Leu).

GeneDx
Classification: Uncertain significance. Last evaluated: 2017-04-27. Review status: criteria provided, single submitter. Criteria: GeneDx Variant Classification (06012015). Collection method: clinical testing. Allele origin: germline. Affected: yes.
Comment: The P3239L variant has not been published as a pathogenic variant, nor has it been reported as a benign variant to our knowledge. This variant is not observed in large population cohorts (Lek et al., 2016; 1000 Genomes Consortium et al., 2015; Exome Variant Server). The P3239L variant is a semi-conservative amino acid substitution that occurs at a position that is conserved in mammals. In silico analysis is inconsistent in its predictions as to whether or not the variant is damaging to the protein structure/function. Therefore, based on the currently available information, it is unclear whether this variant is a pathogenic variant or a rare benign variant.